The following is an entry in ClinVar:

NM_001113378.2(FANCI):c.665C>T (p.Ser222Phe)

Gene: FANCI (FA complementation group I; plus strand). Cytogenetic location: 15q26.1.
Variant type: single nucleotide variant.
Coding change: c.665C>T on transcript NM_001113378.2 (MANE Select); coding-DNA position 665, C replaced by T.
Protein change: p.Ser222Phe; replaces serine 222 with phenylalanine.
Molecular consequence: missense variant.
Genome position (GRCh38, 1-based): chr15:89,264,022, C>T. VCF-style: chr15-89264022-C-T. GRCh37 (hg19) VCF-style: chr15-89807253-C-T.
Other names: c.386C>T, p.Ser129Phe (NM_001376910.1); c.665C>T, p.Ser222Phe (NM_001376911.1, NM_018193.3); short protein forms S222F, S129F.
Identifiers: ClinVar variation 1446137 (VCV001446137.6), dbSNP rs1435589915, ClinGen allele CA393739253.

ClinVar aggregate classification (germline): Uncertain significance. Review status: criteria provided, multiple submitters, no conflicts (2 of 4 stars). 2 submissions from 2 submitters: Uncertain significance (2). Last evaluated 2024-10-14.

Conditions:
Fanconi anemia (FA). Also called: Fanconi's anemia. Identifiers: Orphanet 84, MedGen C0015625, MeSH D005199, MONDO:0019391.
Fanconi anemia complementation group I (FANCI). Also called: FANCI-Related Fanconi Anemia. Identifiers: Orphanet 84, MedGen C1836861, MONDO:0012186, OMIM 609053.

Allele frequency attached by ClinVar (database versions not stated): gnomAD exomes below 0.00001; gnomAD 0.00002; TOPMed 0.00006.
gnomAD v4.1: 7 of 1,613,922 alleles (0.00043%); highest among the groups gnomAD compares: African/African-American, 0.0027%; no homozygotes.

Submissions (2):

Labcorp Genetics (formerly Invitae), Labcorp
Classification: Uncertain significance for Fanconi anemia. Last evaluated: 2024-10-14. Review status: criteria provided, single submitter. Criteria: Invitae Variant Classification Sherloc (09022015). Collection method: clinical testing. Allele origin: germline.
Comment: This sequence change replaces serine, which is neutral and polar, with phenylalanine, which is neutral and non-polar, at codon 222 of the FANCI protein (p.Ser222Phe). This variant is present in population databases (no rsID available, gnomAD 0.01%). This variant has not been reported in the literature in individuals affected with FANCI-related conditions. ClinVar contains an entry for this variant (Variation ID: 1446137). Invitae Evidence Modeling of protein sequence and biophysical properties (such as structural, functional, and spatial information, amino acid conservation, physicochemical variation, residue mobility, and thermodynamic stability) has been performed for this missense variant. However, the output from this modeling did not meet the statistical confidence thresholds required to predict the impact of this variant on FANCI protein function. In summary, the available evidence is currently insufficient to determine the role of this variant in disease. Therefore, it has been classified as a Variant of Uncertain Significance.

Fulgent Genetics
Classification: Uncertain significance for Fanconi anemia complementation group I. Last evaluated: 2021-09-20. Review status: criteria provided, single submitter. Criteria: ACMG Guidelines, 2015. Collection method: clinical testing. Allele origin: unknown.